The following is an entry in ClinVar:

Conditions:
Breast-ovarian cancer, familial, susceptibility to, 1 (BROVCA1). Also called: BRCA1 Hereditary Breast and Ovarian Cancer; OVARIAN CANCER, SUSCEPTIBILITY TO. Identifiers: Orphanet 145, MedGen C2676676, MONDO:0011450, OMIM 604370. Disease mechanism: loss of function.

Submission:

Brotman Baty Institute, University of Washington
No classification provided (evidence only). Condition: Breast-ovarian cancer, familial 1. Review status: no classification provided. Collection method: in vitro. Allele origin: not applicable. Functional consequence: functionally_normal.
ClinVar note: "not provided" was previously submitted as the classification for the variant. However, the classification appeared to be based only on an observation of functional data so it was converted to no classification on 2025-07-30.

NM_007294.4(BRCA1):c.5009G>T (p.Arg1670Ile)

Gene: BRCA1 (BRCA1 DNA repair associated; minus strand). Cytogenetic location: 17q21.31.
Variant type: single nucleotide variant.
Coding change: c.5009G>T on transcript NM_007294.4 (MANE Select); coding-DNA position 5009, G replaced by T.
Protein change: p.Arg1670Ile; replaces arginine 1670 with isoleucine.
Molecular consequence: missense variant. On other transcripts: non-coding transcript variant (1).
Genome position (GRCh38, 1-based): chr17:43,067,673, C>A on the plus strand (G>T on the coding strand, the complement: BRCA1 is on the minus strand). VCF-style: chr17-43067673-C-A. GRCh37 (hg19) VCF-style: chr17-41219690-C-A.
Other names: c.4796G>T, p.Arg1599Ile (NM_001407571.1, NM_001407896.1, NM_001407897.1 and 12 more transcripts); c.5075G>T, p.Arg1692Ile (NM_001407581.1, NM_001407582.1); c.5072G>T, p.Arg1691Ile (NM_001407583.1, NM_001407585.1, NM_001407587.1 and 1 more transcripts); c.5069G>T, p.Arg1690Ile (NM_001407590.1, NM_001407591.1); c.5009G>T, p.Arg1670Ile (NM_001407593.1, NM_001407594.1, NM_001407596.1 and 8 more transcripts); c.5006G>T, p.Arg1669Ile (NM_001407610.1, NM_001407611.1, NM_001407612.1 and 17 more transcripts); c.5003G>T, p.Arg1668Ile (NM_001407627.1, NM_001407628.1, NM_001407629.1 and 14 more transcripts); c.5000G>T, p.Arg1667Ile (NM_001407645.1, NM_001407644.1); and 70 more; short protein forms R1623I, R1670I, R1691I, R566I, R1542I, R1582I, R1599I, R1628I.
Identifiers: ClinVar variation 867531 (VCV000867531.3), dbSNP rs2052182633, ClinGen allele CA10591501.
Genomic context (GRCh38, chr17:43,067,673, plus strand): 5'-TTCATAACAACATGAGTAGTCTCTTCAGTAATTAGATTAGTTAAAGTGATGTGGTGTTTT[C>A]TGGCAAACTTGTACACGAGCATCTGAAATTAAATCAAATATTCCATTATCATGAGTTACC-3'
Protein context (NP_009225.1, residues 1660-1680): EEFMLVYKFA[Arg1670Ile]KHHITLTNLI